The following is an entry in ClinVar:

ClinVar aggregate classification (germline): Uncertain significance. Review status: criteria provided, multiple submitters, no conflicts (2 of 4 stars). 2 submissions from 2 submitters: Uncertain significance (2). Last evaluated 2026-07-21.

Conditions:
Pityriasis rubra pilaris (PRP). Also called: Pityriasis rubra pilaris--familial type. Identifiers: Orphanet 2897, MedGen C0032027, MONDO:0100017, OMIM 173200, MONDO:0008251.
Psoriasis 2. Identifiers: MedGen C1864497, MONDO:0011269, OMIM 602723.
CARD14-related disorder. Also called: CARD14-related condition.

Allele frequency attached by ClinVar (database versions not stated): gnomAD 0.00001; gnomAD exomes 0.00002; ExAC 0.00004.
gnomAD v4.1: 95 of 1,583,764 alleles (0.006%); highest among the groups gnomAD compares: Non-Finnish European, 0.0079%; no homozygotes.

Submissions (2):

PreventionGenetics, part of Exact Sciences
Classification: Uncertain significance for CARD14-related condition. Last evaluated: 2026-07-21. Review status: criteria provided, single submitter. Criteria: ACMG Guidelines, 2015. Collection method: clinical testing. Allele origin: germline.
Comment: The CARD14 c.892C>T variant is predicted to result in premature protein termination (p.Arg298*). To our knowledge, this variant has not been reported in the literature. This variant is reported in 0.0075% of alleles in individuals of Latino descent in gnomAD. Loss of function is not an established mechanism of CARD14-related disease. Although we suspect that this variant may be pathogenic, at this time, the clinical significance of this variant is uncertain due to the absence of conclusive functional and genetic evidence.

Labcorp Genetics (formerly Invitae), Labcorp
Classification: Uncertain significance for Pityriasis rubra pilaris; Psoriasis 2. Last evaluated: 2025-08-03. Review status: criteria provided, single submitter. Criteria: Invitae Variant Classification Sherloc (09022015). Collection method: clinical testing. Allele origin: germline.
Comment: This sequence change creates a premature translational stop signal (p.Arg298*) in the CARD14 gene. It is expected to result in an absent or disrupted protein product. However, the current clinical and genetic evidence is not sufficient to establish whether loss-of-function variants in CARD14 cause disease. This variant is present in population databases (rs772958714, gnomAD 0.008%). This variant has not been reported in the literature in individuals affected with CARD14-related conditions. ClinVar contains an entry for this variant (Variation ID: 1444582). In summary, the available evidence is currently insufficient to determine the role of this variant in disease. Therefore, it has been classified as a Variant of Uncertain Significance.

NM_001366385.1(CARD14):c.892C>T (p.Arg298Ter)

Gene: CARD14 (caspase recruitment domain family member 14; plus strand). Cytogenetic location: 17q25.3.
Variant type: single nucleotide variant.
Coding change: c.892C>T on transcript NM_001366385.1 (MANE Select); coding-DNA position 892, C replaced by T.
Protein change: p.Arg298Ter; replaces arginine 298 with a stop codon.
Molecular consequence: nonsense. On other transcripts: non-coding transcript variant (1).
Genome position (GRCh38, 1-based): chr17:80,189,801, C>T. VCF-style: chr17-80189801-C-T. GRCh37 (hg19) VCF-style: chr17-78163600-C-T.
Other names: c.892C>T, p.Arg298Ter (NM_001257970.1, NM_024110.4); c.181C>T, p.Arg61Ter (NM_052819.3); short protein forms R61*, R298*.
Identifiers: ClinVar variation 1444582 (VCV001444582.7), dbSNP rs772958714, ClinGen allele CA8816564.
Genomic context (GRCh38, chr17:80,189,801, plus strand): 5'-TCTCTGCCCCAGGCGGAGAAGGACATTCTGGAGCAGAGCCTGGACGAGGCGCGGGGGAGC[C>T]GACAGGAGCTGGTGGAGCGCATCCACTCGCTGCGGGAGCGGGCCGTGGCTGCCGAGAGGC-3'